The following is an entry in ClinVar:

ClinVar aggregate classification (germline): Likely pathogenic (1 of 4 stars; one submission).

Conditions:
Developmental and epileptic encephalopathy, 9 (DEE9). Also called: Early infantile epileptic encephalopathy 9; EPILEPSY, FEMALE-RESTRICTED, WITH MENTAL RETARDATION; JUBERG-HELLMAN SYNDROME; PCDH19-Related X-Linked Female-Limited Epilepsy with Mental Retardation. Identifiers: Orphanet 101039, Orphanet 2076, MedGen C1848137, MONDO:0010246, OMIM 300088. Disease mechanism: loss of function.

Submission:

3billion
Classification: Likely pathogenic for Developmental and epileptic encephalopathy, 9. Last evaluated: 2024-08-12. Review status: criteria provided, single submitter. Criteria: ACMG Guidelines, 2015. Collection method: clinical testing. Allele origin: germline. Affected: yes.
Comment: The variant is not observed in the gnomAD v4.0.0 dataset. Predicted Consequence/Location: Stop-gained (nonsense): predicted to result in a loss or disruption of normal protein function through nonsense-mediated decay (NMD) or protein truncation. Multiple pathogenic variants are reported downstream of the variant. Therefore, this variant is classified as Likely pathogenic according to the recommendation of ACMG/AMP guideline.

NM_001184880.2(PCDH19):c.1785C>G (p.Tyr595Ter)

Gene: PCDH19 (protocadherin 19; minus strand). Cytogenetic location: Xq22.1.
Variant type: single nucleotide variant.
Coding change: c.1785C>G on transcript NM_001184880.2 (MANE Select); coding-DNA position 1785, C replaced by G.
Protein change: p.Tyr595Ter; replaces tyrosine 595 with a stop codon.
Molecular consequence: nonsense.
Genome position (GRCh38, 1-based): chrX:100,406,813, G>C on the plus strand (C>G on the coding strand, the complement: PCDH19 is on the minus strand). VCF-style: chrX-100406813-G-C. GRCh37 (hg19) VCF-style: chrX-99661811-G-C.
Other names: c.1785C>G, p.Tyr595Ter (NM_001105243.2, NM_020766.3); short protein forms Y595*.
Identifiers: ClinVar variation 4292168 (VCV004292168.1).
Genomic context (GRCh38, chrX:100,406,813, plus strand): 5'-AAAGAAGCCGCGGTCGCCCTCGGTCATGTCGTAGGTGACTCGGCCATTTTCGCCCTCATC[G>C]TAGTCTTCTGCCTTGACAACAGTCACCAGGTAGCCTATGCCAGAGTTGCGGGGTATGTAG-3'